The following is an entry in ClinVar:

NM_153676.4(USH1C):c.820-9T>C

Gene: USH1C (USH1 protein network component harmonin; minus strand). Cytogenetic location: 11p15.1.
Variant type: single nucleotide variant.
Coding change: c.820-9T>C on transcript NM_153676.4 (MANE Select); 9 bases into the intron before coding-DNA position 820, T replaced by C.
Molecular consequence: intron variant.
Genome position (GRCh38, 1-based): chr11:17,523,276, A>G on the plus strand (T>C on the coding strand, the complement: USH1C is on the minus strand). VCF-style: chr11-17523276-A-G. GRCh37 (hg19) VCF-style: chr11-17544823-A-G.
Other names: c.819+143T>C (NM_001297764.2); c.820-9T>C (NM_005709.4, NM_153676.3).
Identifiers: ClinVar variation 756671 (VCV000756671.13), dbSNP rs370623882, ClinGen allele CA5904846.

ClinVar aggregate classification (germline): Likely benign. Review status: criteria provided, multiple submitters, no conflicts (2 of 4 stars). 4 submissions from 4 submitters: Likely benign (4). Last evaluated 2025-12-31.

Conditions:
USH1C-related disorder. Also called: USH1C-related condition.

Allele frequency attached by ClinVar (database versions not stated): gnomAD exomes 0.00007 and 0.00015; ExAC 0.00008; gnomAD 0.00010 and 0.00011; TOPMed 0.00013; ESP Exome Variant Server 0.00023.
gnomAD v4.1: 243 of 1,614,002 alleles (0.015%); highest among the groups gnomAD compares: Non-Finnish European, 0.018%; no homozygotes.

Submissions (4):

PreventionGenetics, part of Exact Sciences
Classification: Likely benign for USH1C-related condition. Last evaluated: 2025-12-31. Review status: criteria provided, single submitter. Criteria: ACMG Guidelines, 2015. Collection method: clinical testing. Allele origin: germline.
Comment: This variant is classified as likely benign based on ACMG/AMP sequence variant interpretation guidelines (Richards et al. 2015 PMID: 25741868, with internal and published modifications).

Labcorp Genetics (formerly Invitae), Labcorp
Classification: Likely benign. Last evaluated: 2025-12-22. Review status: criteria provided, single submitter. Criteria: Invitae Variant Classification Sherloc (09022015). Collection method: clinical testing. Allele origin: germline.

Blueprint Genetics
Classification: Likely benign. Last evaluated: 2024-09-03. Review status: criteria provided, single submitter. Criteria: ACMG Guidelines, 2015. Collection method: clinical testing. Allele origin: germline.

GeneDx
Classification: Likely benign. Last evaluated: 2020-11-20. Review status: criteria provided, single submitter. Criteria: GeneDx Variant Classification Process June 2021. Collection method: clinical testing. Allele origin: germline. Affected: yes.